The following is an entry in ClinVar:

ClinVar aggregate classification (germline): Uncertain significance (1 of 4 stars; one submission).

Submission:

GeneDx
Classification: Uncertain significance. Last evaluated: 2022-06-17. Review status: criteria provided, single submitter. Criteria: GeneDx Variant Classification Process June 2021. Collection method: clinical testing. Allele origin: germline. Affected: yes.
Comment: Not observed at significant frequency in large population cohorts (gnomAD); In silico analysis supports that this missense variant has a deleterious effect on protein structure/function; Has not been previously published as pathogenic or benign to our knowledge

NM_006186.4(NR4A2):c.64T>C (p.Tyr22His)

Gene: NR4A2 (nuclear receptor subfamily 4 group A member 2; minus strand). Cytogenetic location: 2q24.1.
Variant type: single nucleotide variant.
Coding change: c.64T>C on transcript NM_006186.4 (MANE Select); coding-DNA position 64, T replaced by C.
Protein change: p.Tyr22His; replaces tyrosine 22 with histidine.
Molecular consequence: missense variant. On other transcripts: intron variant (1).
Genome position (GRCh38, 1-based): chr2:156,330,123, A>G on the plus strand (T>C on the coding strand, the complement: NR4A2 is on the minus strand). VCF-style: chr2-156330123-A-G. GRCh37 (hg19) VCF-style: chr2-157186635-A-G.
Other names: c.-13-113T>C (NM_173173.3); short protein forms Y22H.
Identifiers: ClinVar variation 1804258 (VCV001804258.1), dbSNP rs2468292297, ClinGen allele CA348683280.